The following is an entry in ClinVar:

ClinVar aggregate classification (germline): Uncertain significance (1 of 4 stars; one submission).

Conditions:
Landau-Kleffner syndrome (FESD). Also called: EPILEPSY, FOCAL, WITH SPEECH DISORDER AND WITH OR WITHOUT MENTAL RETARDATION; APHASIA, ACQUIRED, WITH EPILEPSY. Identifiers: Orphanet 1945, Orphanet 725, Orphanet 98818, MedGen C0282512, MONDO:0009509, OMIM 245570.

Submission:

Labcorp Genetics (formerly Invitae), Labcorp
Classification: Uncertain significance for Landau-Kleffner syndrome. Last evaluated: 2023-09-15. Review status: criteria provided, single submitter. Criteria: Invitae Variant Classification Sherloc (09022015). Collection method: clinical testing. Allele origin: germline.
Comment: This sequence change falls in intron 11 of the GRIN2A gene. It does not directly change the encoded amino acid sequence of the GRIN2A protein. It affects a nucleotide within the consensus splice site. This variant is not present in population databases (gnomAD no frequency). This variant has not been reported in the literature in individuals affected with GRIN2A-related conditions. Variants that disrupt the consensus splice site are a relatively common cause of aberrant splicing (PMID: 17576681, 9536098). Algorithms developed to predict the effect of sequence changes on RNA splicing suggest that this variant is not likely to affect RNA splicing. In summary, the available evidence is currently insufficient to determine the role of this variant in disease. Therefore, it has been classified as a Variant of Uncertain Significance.

Literature cited by the submitters: PubMed 17576681; PubMed 9536098.

NM_001134407.3(GRIN2A):c.2169-3C>T

Gene: GRIN2A (glutamate ionotropic receptor NMDA type subunit 2A; minus strand). Cytogenetic location: 16p13.2.
Variant type: single nucleotide variant.
Coding change: c.2169-3C>T on transcript NM_001134407.3 (MANE Select); 3 bases into the intron before coding-DNA position 2169, C replaced by T.
Molecular consequence: intron variant.
Genome position (GRCh38, 1-based): chr16:9,798,467, G>A on the plus strand (C>T on the coding strand, the complement: GRIN2A is on the minus strand). VCF-style: chr16-9798467-G-A. GRCh37 (hg19) VCF-style: chr16-9892324-G-A.
Other names: c.2169-3C>T (NM_001134408.2, NM_000833.5).
Identifiers: ClinVar variation 2782083 (VCV002782083.3), dbSNP rs2141231282, ClinGen allele CA2731722958.
Genomic context (GRCh38, chr16:9,798,467, plus strand): 5'-ATCCCTCCCAGCCTTGTAATTCAAGACTGCGGCATCGTAGATGAAAGCGTCCAGCTTCCT[G>A]AAATGACAAGAAACCAGGGGGTCATAGGGGTGGCCAGGTACCACCTCGGGGTCCAGCTCC-3'